The following is an entry in ClinVar:

NM_000516.7(GNAS):c.1117C>T (p.Arg373Cys)

Gene: GNAS (GNAS complex locus; plus strand). Cytogenetic location: 20q13.32.
Variant type: single nucleotide variant.
Coding change: c.1117C>T on transcript NM_000516.7 (MANE Select); coding-DNA position 1117, C replaced by T.
Protein change: p.Arg373Cys; replaces arginine 373 with cysteine.
Molecular consequence: missense variant. On other transcripts: 3 prime UTR variant (2).
Genome position (GRCh38, 1-based): chr20:58,910,761, C>T. VCF-style: chr20-58910761-C-T. GRCh37 (hg19) VCF-style: chr20-57485816-C-T.
Other names: c.1120C>T, p.Arg374Cys (NM_001077488.5); c.1072C>T, p.Arg358Cys (NM_001077489.4); c.*978C>T (NM_001077490.3); c.940C>T, p.Arg314Cys (NM_001309840.2, NM_001309861.2); c.1021C>T, p.Arg341Cys (NM_001410912.1); c.3001C>T, p.Arg1001Cys (NM_001410913.1); c.*1023C>T (NM_016592.5); c.3046C>T, p.Arg1016Cys (NM_080425.4); and 1 more; short protein forms R1001C, R1016C, R314C, R341C, R358C, R359C, R373C, R374C.
Identifiers: ClinVar variation 3361782 (VCV003361782.1).

ClinVar aggregate classification (germline): Uncertain significance (1 of 4 stars; one submission).

gnomAD v4.1: 1 of 1,614,060 alleles (0.000062%); highest among the groups gnomAD compares: Non-Finnish European, 0.000085%; no homozygotes.

Submission:

GeneDx
Classification: Uncertain significance. Last evaluated: 2023-08-03. Review status: criteria provided, single submitter. Criteria: GeneDx Variant Classification Process June 2021. Collection method: clinical testing. Allele origin: germline. Affected: yes.
Comment: Not observed at significant frequency in large population cohorts (gnomAD); In silico analysis supports that this missense variant has a deleterious effect on protein structure/function; Has not been previously published as pathogenic or benign to our knowledge